The following is an entry in ClinVar:

ClinVar aggregate classification (germline): Conflicting classifications of pathogenicity. Review status: criteria provided, conflicting classifications (1 of 4 stars). 3 submissions from 3 submitters: Uncertain significance (2); Likely benign (1). Last evaluated 2025-06-08.

Conditions:
Renal cell carcinoma. Identifiers: Orphanet 217071, MedGen C0007134, MeSH D002292, MONDO:0005086, HP:0005584.
Hereditary cancer-predisposing syndrome. Also called: Neoplastic Syndromes, Hereditary; Tumor predisposition; Hereditary Cancer Syndrome; Hereditary neoplastic syndrome. Identifiers: Orphanet 140162, MedGen C0027672, MeSH D009386, MONDO:0015356.

Allele frequency attached by ClinVar (database versions not stated): TOPMed below 0.00001; gnomAD exomes 0.00002.
gnomAD v4.1: 28 of 1,614,020 alleles (0.0017%); highest among the groups gnomAD compares: Non-Finnish European, 0.0021%; no homozygotes.

Submissions (3):

Labcorp Genetics (formerly Invitae), Labcorp
Classification: Uncertain significance for Renal cell carcinoma. Last evaluated: 2025-06-08. Review status: criteria provided, single submitter. Criteria: Invitae Variant Classification Sherloc (09022015). Collection method: clinical testing. Allele origin: germline.
Comment: This sequence change replaces aspartic acid, which is acidic and polar, with glycine, which is neutral and non-polar, at codon 208 of the MET protein (p.Asp208Gly). This variant is present in population databases (rs587782086, gnomAD 0.003%). This variant has not been reported in the literature in individuals affected with MET-related conditions. ClinVar contains an entry for this variant (Variation ID: 141889). Invitae Evidence Modeling of protein sequence and biophysical properties (such as structural, functional, and spatial information, amino acid conservation, physicochemical variation, residue mobility, and thermodynamic stability) indicates that this missense variant is not expected to disrupt MET protein function with a negative predictive value of 80%. In summary, the available evidence is currently insufficient to determine the role of this variant in disease. Therefore, it has been classified as a Variant of Uncertain Significance.

Ambry Genetics
Classification: Likely benign for Hereditary cancer-predisposing syndrome. Last evaluated: 2025-03-12. Review status: criteria provided, single submitter. Criteria: Ambry Variant Classification Scheme 2023. Collection method: clinical testing. Allele origin: germline.

GeneDx
Classification: Uncertain significance. Last evaluated: 2024-01-08. Review status: criteria provided, single submitter. Criteria: GeneDx Variant Classification Process June 2021. Collection method: clinical testing. Allele origin: germline. Affected: yes.
Comment: Not observed at significant frequency in large population cohorts (gnomAD); In silico analysis supports that this missense variant does not alter protein structure/function; Observed in an individual with a primary pleural synovial sarcoma (Vatsayan et al., 2019. doi:10.4103/ijmpo.ijmpo_233_17)

NM_000245.4(MET):c.623A>G (p.Asp208Gly)

Gene: MET (MET proto-oncogene, receptor tyrosine kinase; plus strand). Cytogenetic location: 7q31.2.
Variant type: single nucleotide variant.
Coding change: c.623A>G on transcript NM_000245.4 (MANE Select); coding-DNA position 623, A replaced by G.
Protein change: p.Asp208Gly; replaces aspartic acid 208 with glycine.
Molecular consequence: missense variant. On other transcripts: intron variant (1).
Genome position (GRCh38, 1-based): chr7:116,699,707, A>G. VCF-style: chr7-116699707-A-G. GRCh37 (hg19) VCF-style: chr7-116339761-A-G.
Other names: c.623A>G, p.Asp208Gly (NM_001127500.3, NM_001324401.3); c.-91+27130A>G (NM_001324402.2); short protein forms D208G.
Identifiers: ClinVar variation 141889 (VCV000141889.16), dbSNP rs587782086, ClinGen allele CA166710.